The following is an entry in ClinVar:

ClinVar aggregate classification (germline): Uncertain significance (1 of 4 stars; one submission).

Submission:

Athena Diagnostics
Classification: Uncertain significance. Last evaluated: 2024-02-23. Review status: criteria provided, single submitter. Criteria: Athena Diagnostics Criteria. Collection method: clinical testing. Allele origin: unknown.
Comment: Available data are insufficient to determine the clinical significance of the variant at this time. This variant has not been reported in large, multi-ethnic general populations. Computational tools disagree on the variant's effect on normal protein function.

NM_001378969.1(KCND3):c.724C>T (p.Leu242Phe)

Gene: KCND3 (potassium voltage-gated channel subfamily D member 3; minus strand). Cytogenetic location: 1p13.2.
Variant type: single nucleotide variant.
Coding change: c.724C>T on transcript NM_001378969.1 (MANE Select); coding-DNA position 724, C replaced by T.
Protein change: p.Leu242Phe; replaces leucine 242 with phenylalanine.
Molecular consequence: missense variant.
Genome position (GRCh38, 1-based): chr1:111,982,003, G>A on the plus strand (C>T on the coding strand, the complement: KCND3 is on the minus strand). VCF-style: chr1-111982003-G-A. GRCh37 (hg19) VCF-style: chr1-112524625-G-A.
Other names: c.724C>T, p.Leu242Phe (NM_001378970.1, NM_004980.5, NM_172198.3); short protein forms L242F.
Identifiers: ClinVar variation 3571791 (VCV003571791.1).
Genomic context (GRCh38, chr1:111,982,003, plus strand): 5'-TGATGCTCATGACGCTGCGGATGAAGCGGTAGCGGCTGGGAGCCGCGAAGAGCCGCAGGA[G>A]GTACTCCACGGTGAAGATCATGACGCACGCCGTGTCCAGGCAGAAGAAGGCCACCGAGTA-3'
Protein context (NP_001365898.1, residues 232-252): ACVMIFTVEY[Leu242Phe]LRLFAAPSRY